The following is an entry in ClinVar:

NM_000059.4(BRCA2):c.1373C>G (p.Pro458Arg)

Gene: BRCA2 (BRCA2 DNA repair associated; plus strand). Cytogenetic location: 13q13.1.
Variant type: single nucleotide variant.
Coding change: c.1373C>G on transcript NM_000059.4 (MANE Select); coding-DNA position 1373, C replaced by G.
Protein change: p.Pro458Arg; replaces proline 458 with arginine.
Molecular consequence: missense variant.
Genome position (GRCh38, 1-based): chr13:32,332,851, C>G. VCF-style: chr13-32332851-C-G. GRCh37 (hg19) VCF-style: chr13-32906988-C-G.
Other names: c.1373C>G, p.Pro458Arg (NM_001406719.1, NM_001406720.1, NM_001406721.1); short protein forms P458R.
Identifiers: ClinVar variation 1771093 (VCV001771093.6), dbSNP rs2137470775, ClinGen allele CA387762940.
Genomic context (GRCh38, chr13:32,332,851, plus strand): 5'-ATTTTCTTACTTCAGAGAATTCTTTGCCACGTATTTCTAGCCTACCAAAATCAGAGAAGC[C>G]ATTAAATGAGGAAACAGTGGTAAATAAGAGAGATGAAGAGCAGCATCTTGAATCTCATAC-3'
Protein context (NP_000050.3, residues 448-468): RISSLPKSEK[Pro458Arg]LNEETVVNKR

ClinVar aggregate classification (germline): Conflicting classifications of pathogenicity. Review status: criteria provided, conflicting classifications (1 of 4 stars). 3 submissions from 3 submitters: Uncertain significance (1); Likely benign (2). Last evaluated 2025-05-12.

Conditions:
Hereditary cancer-predisposing syndrome. Also called: Hereditary Cancer Syndrome; Hereditary neoplastic syndrome; Neoplastic Syndromes, Hereditary; Tumor predisposition. Identifiers: Orphanet 140162, MedGen C0027672, MeSH D009386, MONDO:0015356.

Allele frequency attached by ClinVar (database versions not stated): gnomAD exomes below 0.00001.
gnomAD v4.1: 2 of 1,611,794 alleles (0.00012%); highest among the groups gnomAD compares: Non-Finnish European, 0.00017%; no homozygotes.

Submissions (3):

Color Diagnostics, LLC DBA Color Health
Classification: Uncertain significance for Hereditary cancer-predisposing syndrome. Last evaluated: 2025-05-12. Review status: criteria provided, single submitter. Criteria: ACMG Guidelines, 2015. Collection method: clinical testing. Allele origin: germline.
Comment: This missense variant replaces proline with arginine at codon 458 of the BRCA2 protein. Computational prediction suggests that this variant may not impact protein structure and function. To our knowledge, functional studies have not been reported for this variant. This variant has been reported in a breast cancer case-control study but the cancer-status of the carrier was not provided (PMID: 38153744). This variant has not been identified in the general population by the Genome Aggregation Database (gnomAD). The available evidence is insufficient to determine the role of this variant in disease conclusively. Therefore, this variant is classified as a Variant of Uncertain Significance.

Ambry Genetics
Classification: Likely benign for Hereditary cancer-predisposing syndrome. Last evaluated: 2024-08-06. Review status: criteria provided, single submitter. Criteria: Ambry Variant Classification Scheme 2023. Collection method: clinical testing. Allele origin: germline.

University of Washington Department of Laboratory Medicine, University of Washington
Classification: Likely benign for Hereditary cancer-predisposing syndrome. Last evaluated: 2023-03-23. Review status: criteria provided, single submitter. Criteria: Dines et al. (Genet Med. 2020). Collection method: curation. Allele origin: germline.
Comment: Missense variant in a coldspot region where missense variants are very unlikely to be pathogenic (PMID:31911673).

BRCA2 exon 10 coldspot. Reclassification based on statistical prior probability.

Literature cited by the submitters: PubMed 38153744 (cited by Color Diagnostics, LLC DBA Color Health).